The following is an entry in ClinVar:

ClinVar aggregate classification (germline): Uncertain significance. Review status: criteria provided, multiple submitters, no conflicts (2 of 4 stars). 2 submissions from 2 submitters: Uncertain significance (2). Last evaluated 2026-04-23.

Conditions:
Hereditary cancer-predisposing syndrome. Also called: Neoplastic Syndromes, Hereditary; Tumor predisposition; Hereditary Cancer Syndrome; Hereditary neoplastic syndrome. Identifiers: Orphanet 140162, MedGen C0027672, MeSH D009386, MONDO:0015356.

Submissions (2):

Ambry Genetics
Classification: Uncertain significance for Hereditary cancer-predisposing syndrome. Last evaluated: 2026-04-23. Review status: criteria provided, single submitter. Criteria: Ambry Variant Classification Scheme 2023. Collection method: clinical testing. Allele origin: germline.
Comment: The p.Q152R variant (also known as c.455A>G), located in coding exon 3 of the MSH3 gene, results from an A to G substitution at nucleotide position 455. The glutamine at codon 152 is replaced by arginine, an amino acid with highly similar properties. This amino acid position is not well conserved in available vertebrate species. In addition, this alteration is predicted to be tolerated by in silico analysis. Based on the available evidence, the clinical significance of this variant remains unclear.

Labcorp Genetics (formerly Invitae), Labcorp
Classification: Uncertain significance. Last evaluated: 2021-07-22. Review status: criteria provided, single submitter. Criteria: Invitae Variant Classification Sherloc (09022015). Collection method: clinical testing. Allele origin: germline.
Comment: This sequence change replaces glutamine with arginine at codon 152 of the MSH3 protein (p.Gln152Arg). The glutamine residue is moderately conserved and there is a small physicochemical difference between glutamine and arginine. This variant is not present in population databases (ExAC no frequency). This variant has not been reported in the literature in individuals with MSH3-related conditions. Algorithms developed to predict the effect of missense changes on protein structure and function output the following: SIFT: "Tolerated"; PolyPhen-2: "Benign"; Align-GVGD: "Class C0". The arginine amino acid residue is found in multiple mammalian species, suggesting that this missense change does not adversely affect protein function. These predictions have not been confirmed by published functional studies and their clinical significance is uncertain. In summary, the available evidence is currently insufficient to determine the role of this variant in disease. Therefore, it has been classified as a Variant of Uncertain Significance.

NM_002439.5(MSH3):c.455A>G (p.Gln152Arg)

Gene: MSH3 (mutS homolog 3; plus strand). Cytogenetic location: 5q14.1.
Variant type: single nucleotide variant.
Coding change: c.455A>G on transcript NM_002439.5 (MANE Select); coding-DNA position 455, A replaced by G.
Protein change: p.Gln152Arg; replaces glutamine 152 with arginine.
Molecular consequence: missense variant.
Genome position (GRCh38, 1-based): chr5:80,665,239, A>G. VCF-style: chr5-80665239-A-G. GRCh37 (hg19) VCF-style: chr5-79961058-A-G.
Other names: c.455A>G (NM_002439.3); short protein forms Q152R.
Identifiers: ClinVar variation 1364931 (VCV001364931.9), dbSNP rs2112808821, ClinGen allele CA360263534.
Genomic context (GRCh38, chr5:80,665,239, plus strand): 5'-AGTCTCTGGAAAAATTGAAAGAATTCTGCTGCGATTCTGCCCTTCCTCAAAGTAGAGTCC[A>G]GACAGAATCTCTGCAGGAGAGATTTGCAGTTCTGCCAAAATGTACTGATTTTGATGATAT-3'
Protein context (NP_002430.3, residues 142-162): CDSALPQSRV[Gln152Arg]TESLQERFAV